The following is an entry in ClinVar:

ClinVar aggregate classification (germline): Uncertain significance (1 of 4 stars; one submission).

Conditions:
Hereditary cancer-predisposing syndrome. Also called: Neoplastic Syndromes, Hereditary; Tumor predisposition; Hereditary neoplastic syndrome; Hereditary Cancer Syndrome. Identifiers: Orphanet 140162, MedGen C0027672, MeSH D009386, MONDO:0015356.

Submission:

Ambry Genetics
Classification: Uncertain significance for Hereditary cancer-predisposing syndrome. Last evaluated: 2024-03-12. Review status: criteria provided, single submitter. Criteria: Ambry Variant Classification Scheme 2023. Collection method: clinical testing. Allele origin: germline.
Comment: The c.993_994delTCinsAT variant (also known as p.L332F), located in coding exon 6 of the FLCN gene, results from an in-frame deletion of TC and insertion of AT at nucleotide positions 993 to 994. This results in the substitution of the leucine residue for a phenylalanine residue at codon 332, an amino acid with highly similar properties. This variant has been observed in at least one individual with a personal and/or family history that is consistent with Birt-Hogg-Dube syndrome (Ambry internal data). This amino acid position is not well conserved in available vertebrate species. In addition, this alteration is predicted to be neutral by in silico analysis (Choi Y et al. PLoS ONE. 2012; 7(10):e46688). Since supporting evidence is limited at this time, the clinical significance of this alteration remains unclear.

NM_144997.7(FLCN):c.993_994delinsAT (p.Leu332Phe)

Gene: FLCN (folliculin; minus strand). Cytogenetic location: 17p11.2.
Variant type: Indel.
Coding change: c.993_994delinsAT on transcript NM_144997.7 (MANE Select); coding-DNA positions 993 to 994, TC replaced by AT.
Protein change: p.Leu332Phe; replaces leucine 332 with phenylalanine.
Molecular consequence: missense variant.
Genome position (GRCh38, 1-based): chr17:17,219,087-17,219,088, GA replaced by AT on the plus strand (TC replaced by AT on the coding strand, the reverse complement: FLCN is on the minus strand). VCF-style: chr17-17219087-GA-AT. GRCh37 (hg19) VCF-style: chr17-17122401-GA-AT.
Other names: c.1047_1048delinsAT, p.Leu350Phe (NM_001353229.2); c.993_994delinsAT, p.Leu332Phe (NM_001353230.2, NM_001353231.2); short protein forms L332F, L350F.
Identifiers: ClinVar variation 3229263 (VCV003229263.1), dbSNP rs2544194470, ClinGen allele CA2825002450.